The following is an entry in ClinVar:

NM_001330700.2(TOP2B):c.3199A>G (p.Thr1067Ala)

Gene: TOP2B (DNA topoisomerase II beta; minus strand). Cytogenetic location: 3p24.2.
Variant type: single nucleotide variant.
Coding change: c.3199A>G on transcript NM_001330700.2 (MANE Select); coding-DNA position 3199, A replaced by G.
Protein change: p.Thr1067Ala; replaces threonine 1067 with alanine.
Molecular consequence: missense variant.
Genome position (GRCh38, 1-based): chr3:25,618,714, T>C on the plus strand (A>G on the coding strand, the complement: TOP2B is on the minus strand). VCF-style: chr3-25618714-T-C. GRCh37 (hg19) VCF-style: chr3-25660205-T-C.
Other names: c.3184A>G, p.Thr1062Ala (NM_001068.3); short protein forms T1067A, T1062A.
Identifiers: ClinVar variation 3972291 (VCV003972291.2).

ClinVar aggregate classification (germline): Uncertain significance. Review status: criteria provided, multiple submitters, no conflicts (2 of 4 stars). 2 submissions from 2 submitters: Uncertain significance (2). Last evaluated 2025-07-21.

gnomAD v4.1: 12 of 1,613,560 alleles (0.00074%); highest among the groups gnomAD compares: African/African-American, 0.008%; no homozygotes.

Submissions (2):

Labcorp Genetics (formerly Invitae), Labcorp
Classification: Uncertain significance. Last evaluated: 2025-07-21. Review status: criteria provided, single submitter. Criteria: Invitae Variant Classification Sherloc (09022015). Collection method: clinical testing. Allele origin: germline.
Comment: This sequence change replaces threonine, which is neutral and polar, with alanine, which is neutral and non-polar, at codon 1062 of the TOP2B protein (p.Thr1062Ala). This variant is not present in population databases (gnomAD no frequency). This variant has not been reported in the literature in individuals affected with TOP2B-related conditions. An algorithm developed to predict the effect of missense changes on protein structure and function outputs the following: PolyPhen-2: "Benign". The alanine amino acid residue is found in multiple mammalian species, which suggests that this missense change does not adversely affect protein function. In summary, the available evidence is currently insufficient to determine the role of this variant in disease. Therefore, it has been classified as a Variant of Uncertain Significance.

Ambry Genetics
Classification: Uncertain significance. Last evaluated: 2025-05-14. Review status: criteria provided, single submitter. Criteria: Ambry Variant Classification Scheme 2023. Collection method: clinical testing. Allele origin: germline.